The following is an entry in ClinVar:

ClinVar aggregate classification (germline): Uncertain significance (1 of 4 stars; one submission).

Conditions:
SCAPER-related disorder. Also called: SCAPER-related condition.

gnomAD v4.1: 1 of 1,613,246 alleles (0.000062%); highest among the groups gnomAD compares: Non-Finnish European, 0.000085%; no homozygotes.

Submission:

PreventionGenetics, part of Exact Sciences
Classification: Uncertain significance for SCAPER-related condition. Last evaluated: 2025-04-16. Review status: criteria provided, single submitter. Criteria: ACMG Guidelines, 2015. Collection method: clinical testing. Allele origin: germline.
Comment: The SCAPER c.1910C>T variant is predicted to result in the amino acid substitution p.Thr637Ile. To our knowledge, this variant has not been reported in the literature or in a large population database (gnomAD), indicating this variant is rare. At this time, the clinical significance of this variant is uncertain due to the absence of conclusive functional and genetic evidence.

NM_020843.4(SCAPER):c.1892C>T (p.Thr631Ile)

Gene: SCAPER (S-phase cyclin A associated protein in the ER; minus strand). Cytogenetic location: 15q24.3.
Variant type: single nucleotide variant.
Coding change: c.1892C>T on transcript NM_020843.4 (MANE Select); coding-DNA position 1892, C replaced by T.
Protein change: p.Thr631Ile; replaces threonine 631 with isoleucine.
Molecular consequence: missense variant. On other transcripts: non-coding transcript variant (1).
Genome position (GRCh38, 1-based): chr15:76,733,359, G>A on the plus strand (C>T on the coding strand, the complement: SCAPER is on the minus strand). VCF-style: chr15-76733359-G-A. GRCh37 (hg19) VCF-style: chr15-77025700-G-A.
Other names: c.1154C>T, p.Thr385Ile (NM_001145923.2); c.1910C>T, p.Thr637Ile (NM_001353009.2); c.1490C>T, p.Thr497Ile (NM_001353010.2, NM_001353012.2); c.1508C>T, p.Thr503Ile (NM_001353011.2); short protein forms T385I, T497I, T503I, T631I, T637I.
Identifiers: ClinVar variation 5002038 (VCV005002038.1).